The following is an entry in ClinVar:

NM_001111125.3(IQSEC2):c.2491A>G (p.Met831Val)

Gene: IQSEC2 (IQ motif and Sec7 domain ArfGEF 2; minus strand). Cytogenetic location: Xp11.22.
Variant type: single nucleotide variant.
Coding change: c.2491A>G on transcript NM_001111125.3 (MANE Select); coding-DNA position 2491, A replaced by G.
Protein change: p.Met831Val; replaces methionine 831 with valine.
Molecular consequence: missense variant.
Genome position (GRCh38, 1-based): chrX:53,248,205, T>C on the plus strand (A>G on the coding strand, the complement: IQSEC2 is on the minus strand). VCF-style: chrX-53248205-T-C. GRCh37 (hg19) VCF-style: chrX-53277387-T-C.
Other names: c.2491A>G, p.Met831Val (NM_001410736.1); c.1876A>G, p.Met626Val (NM_015075.2); short protein forms M626V, M831V.
Identifiers: ClinVar variation 2014408 (VCV002014408.4), dbSNP rs2519781195, ClinGen allele CA413157290.
Genomic context (GRCh38, chrX:53,248,205, plus strand): 5'-GGGCCTCACCCTGAACCCGGATATGGGACTGGAACTTCCGGAGCGCATCATCCAGATCCA[T>C]GGAGGAGAAGTCCATCTCATCCACCACACAGCTAAGGAGCAAAGAAGGAGGTGTGGCGCT-3'
Protein context (NP_001104595.1, residues 821-841): CVVDEMDFSS[Met831Val]DLDDALRKFQ

ClinVar aggregate classification (germline): Uncertain significance (1 of 4 stars; one submission).

Conditions:
Intellectual developmental disorder, X-linked 1. Also called: Atkin Flaitz Patil Smith syndrome; MENTAL RETARDATION, X-LINKED 18; MENTAL RETARDATION, X-LINKED 78; Intellectual disability, X-linked 1. Identifiers: Orphanet 777, MedGen C2931498, MONDO:0010656, OMIM 309530.

Submission:

Labcorp Genetics (formerly Invitae), Labcorp
Classification: Uncertain significance for Intellectual developmental disorder, X-linked 1. Last evaluated: 2022-07-06. Review status: criteria provided, single submitter. Criteria: Invitae Variant Classification Sherloc (09022015). Collection method: clinical testing. Allele origin: germline.
Comment: This sequence change replaces methionine, which is neutral and non-polar, with valine, which is neutral and non-polar, at codon 831 of the IQSEC2 protein (p.Met831Val). This variant is not present in population databases (gnomAD no frequency). This variant has not been reported in the literature in individuals affected with IQSEC2-related conditions. Algorithms developed to predict the effect of missense changes on protein structure and function are either unavailable or do not agree on the potential impact of this missense change (SIFT: "Tolerated"; PolyPhen-2: "Possibly Damaging"; Align-GVGD: "Class C0"). In summary, the available evidence is currently insufficient to determine the role of this variant in disease. Therefore, it has been classified as a Variant of Uncertain Significance.